The following is an entry in ClinVar:

NM_000095.3(COMP):c.1317C>A (p.Asp439Glu)

Gene: COMP (cartilage oligomeric matrix protein; minus strand). Cytogenetic location: 19p13.11.
Variant type: single nucleotide variant.
Coding change: c.1317C>A on transcript NM_000095.3 (MANE Select); coding-DNA position 1317, C replaced by A.
Protein change: p.Asp439Glu; replaces aspartic acid 439 with glutamic acid.
Molecular consequence: missense variant.
Genome position (GRCh38, 1-based): chr19:18,786,137, G>T on the plus strand (C>A on the coding strand, the complement: COMP is on the minus strand). VCF-style: chr19-18786137-G-T. GRCh37 (hg19) VCF-style: chr19-18896947-G-T.
Other names: short protein forms D439E.
Identifiers: ClinVar variation 2631497 (VCV002631497.3), dbSNP rs368273443, ClinGen allele CA404885283.
Genomic context (GRCh38, chr19:18,786,137, plus strand): 5'-TGAGTCCTCCTGGGCACTGTTAGGCACCGTGGGACAGTTGTCCCGAGAGTCCTGATGTCC[G>T]TCTCCATCCCTAGAGTGGATAGGTGGGATCCAGAGACAATGAGCTCTCCAGAGCGTTTTG-3'
Protein context (NP_000086.2, residues 429-449): ACDSDQDQDG[Asp439Glu]GHQDSRDNCP

ClinVar aggregate classification (germline): Pathogenic/Likely pathogenic. Review status: criteria provided, multiple submitters, no conflicts (2 of 4 stars). 2 submissions from 2 submitters: Pathogenic (1); Likely pathogenic (1). Last evaluated 2024-08-28.

Conditions:
COMP-related disorder. Also called: COMP-related disorders; COMP-related condition.

Submissions (2):

Labcorp Genetics (formerly Invitae), Labcorp
Classification: Pathogenic. Last evaluated: 2024-08-28. Review status: criteria provided, single submitter. Criteria: Invitae Variant Classification Sherloc (09022015). Collection method: clinical testing. Allele origin: germline.
Comment: This sequence change replaces aspartic acid, which is acidic and polar, with glutamic acid, which is acidic and polar, at codon 439 of the COMP protein (p.Asp439Glu). This variant is not present in population databases (gnomAD no frequency). This missense change has been observed in individual(s) with multiple epiphyseal dysplasia (PMID: 24595329; internal data). ClinVar contains an entry for this variant (Variation ID: 2631497). Invitae Evidence Modeling of protein sequence and biophysical properties (such as structural, functional, and spatial information, amino acid conservation, physicochemical variation, residue mobility, and thermodynamic stability) indicates that this missense variant is expected to disrupt COMP protein function with a positive predictive value of 80%. For these reasons, this variant has been classified as Pathogenic.

PreventionGenetics, part of Exact Sciences
Classification: Likely pathogenic for COMP-related condition. Last evaluated: 2023-07-16. Review status: criteria provided, single submitter. Criteria: ACMG Guidelines, 2015. Collection method: clinical testing. Allele origin: germline.
Comment: The COMP c.1317C>A variant is predicted to result in the amino acid substitution p.Asp439Glu. This variant has been reported in an individual with multiple epiphyseal dysplasia (Briggs et al. 2014. PubMed ID: 24595329). An alternative nucleotide change resulting in the same amino acid substitution (c.1317C>G, p.Asp439Glu) has also been reported in individuals with pseudoachondroplasia (Guo et al. 2021. PubMed ID: 33748277; Liang et al. 2022. PubMed ID: 34709441). Furthermore, different amino acid substitutions (p.Asp439Asn and Asp439Gly) have been reported as either inherited or de novo in individuals with multiple epiphyseal dysplasia (Table S15, Clark et al. 2019. PubMed ID: 31019026; Kennedy et al. 2005. PubMed ID: 15756302; Zhang et al. 2015. PubMed ID: 26377240). The c.1317C>A (p.Asp439Glu) variant has not been reported in a large population database, indicating this variant is rare. In summary, this variant is interpreted as likely pathogenic.

Literature cited by the submitters: PubMed 24595329 (cited by Labcorp Genetics (formerly Invitae), Labcorp).